The following is an entry in ClinVar:

ClinVar aggregate classification (germline): Uncertain significance (1 of 4 stars; one submission).

Allele frequency attached by ClinVar (database versions not stated): TOPMed 0.00003; gnomAD 0.00006; gnomAD exomes 0.00006; ExAC 0.00010.
gnomAD v4.1: 93 of 1,614,078 alleles (0.0058%); highest among the groups gnomAD compares: East Asian, 0.053%; no homozygotes.

Submission:

Labcorp Genetics (formerly Invitae), Labcorp
Classification: Uncertain significance. Last evaluated: 2022-02-17. Review status: criteria provided, single submitter. Criteria: Invitae Variant Classification Sherloc (09022015). Collection method: clinical testing. Allele origin: germline.
Comment: In summary, the available evidence is currently insufficient to determine the role of this variant in disease. Therefore, it has been classified as a Variant of Uncertain Significance. Algorithms developed to predict the effect of missense changes on protein structure and function are either unavailable or do not agree on the potential impact of this missense change (SIFT: "Deleterious"; PolyPhen-2: "Probably Damaging"; Align-GVGD: "Class C0"). This variant has not been reported in the literature in individuals affected with NUP205-related conditions. This variant is present in population databases (rs776649026, gnomAD 0.07%). This sequence change replaces arginine, which is basic and polar, with tryptophan, which is neutral and slightly polar, at codon 1796 of the NUP205 protein (p.Arg1796Trp).

NM_015135.3(NUP205):c.5386C>T (p.Arg1796Trp)

Gene: NUP205 (nucleoporin 205; plus strand). Cytogenetic location: 7q33.
Variant type: single nucleotide variant.
Coding change: c.5386C>T on transcript NM_015135.3 (MANE Select); coding-DNA position 5386, C replaced by T.
Protein change: p.Arg1796Trp; replaces arginine 1796 with tryptophan.
Molecular consequence: missense variant.
Genome position (GRCh38, 1-based): chr7:135,638,677, C>T. VCF-style: chr7-135638677-C-T. GRCh37 (hg19) VCF-style: chr7-135323425-C-T.
Other names: c.4312C>T, p.Arg1438Trp (NM_001329434.2); short protein forms R1438W, R1796W.
Identifiers: ClinVar variation 2201505 (VCV002201505.4), dbSNP rs776649026, ClinGen allele CA4499170.